The following is an entry in ClinVar:

NM_007186.6(CEP250):c.6086A>G (p.Gln2029Arg)

Gene: CEP250 (centrosomal protein 250; plus strand). Cytogenetic location: 20q11.22.
Variant type: single nucleotide variant.
Coding change: c.6086A>G on transcript NM_007186.6 (MANE Select); coding-DNA position 6086, A replaced by G.
Protein change: p.Gln2029Arg; replaces glutamine 2029 with arginine.
Molecular consequence: missense variant.
Genome position (GRCh38, 1-based): chr20:35,504,455, A>G. VCF-style: chr20-35504455-A-G. GRCh37 (hg19) VCF-style: chr20-34092283-A-G.
Other names: c.4190A>G, p.Gln1397Arg (NM_001318219.1); short protein forms Q1397R, Q2029R.
Identifiers: ClinVar variation 859010 (VCV000859010.10), dbSNP rs770146547, ClinGen allele CA9833998.

ClinVar aggregate classification (germline): Uncertain significance (1 of 4 stars; one submission).

Allele frequency attached by ClinVar (database versions not stated): TOPMed below 0.00001; gnomAD 0.00001; gnomAD exomes 0.00001 and 0.00002; ExAC 0.00002.
gnomAD v4.1: 5 of 1,612,432 alleles (0.00031%); highest among the groups gnomAD compares: Admixed American, 0.005%; no homozygotes.

Submission:

Labcorp Genetics (formerly Invitae), Labcorp
Classification: Uncertain significance. Last evaluated: 2022-03-19. Review status: criteria provided, single submitter. Criteria: Invitae Variant Classification Sherloc (09022015). Collection method: clinical testing. Allele origin: germline.
Comment: In summary, the available evidence is currently insufficient to determine the role of this variant in disease. Therefore, it has been classified as a Variant of Uncertain Significance. Algorithms developed to predict the effect of missense changes on protein structure and function output the following: SIFT: "Not Available"; PolyPhen-2: "Benign"; Align-GVGD: "Not Available". The arginine amino acid residue is found in multiple mammalian species, which suggests that this missense change does not adversely affect protein function. ClinVar contains an entry for this variant (Variation ID: 859010). This variant has not been reported in the literature in individuals affected with CEP250-related conditions. This variant is present in population databases (rs770146547, gnomAD 0.007%). This sequence change replaces glutamine, which is neutral and polar, with arginine, which is basic and polar, at codon 2029 of the CEP250 protein (p.Gln2029Arg).